The following is an entry in ClinVar:

NM_000268.4(NF2):c.363+3A>C

Gene: NF2 (NF2, moesin-ezrin-radixin like (MERLIN) tumor suppressor; plus strand). Cytogenetic location: 22q12.2.
Variant type: single nucleotide variant.
Coding change: c.363+3A>C on transcript NM_000268.4 (MANE Select); 3 bases into the intron after coding-DNA position 363, A replaced by C.
Molecular consequence: intron variant.
Genome position (GRCh38, 1-based): chr22:29,639,215, A>C. VCF-style: chr22-29639215-A-C. GRCh37 (hg19) VCF-style: chr22-30035204-A-C.
Other names: c.363+3A>C (NM_016418.5, NM_181832.3, NM_181833.3 and 1 more transcripts); c.240+2339A>C (NM_181829.3); c.237+3A>C (NM_181828.3); c.115-2987A>C (NM_181830.3, NM_181831.3).
Identifiers: ClinVar variation 1698753 (VCV001698753.2), dbSNP rs1060503669, ClinGen allele CA913203361.
Genomic context (GRCh38, chr22:29,639,215, plus strand): 5'-TGAGAATGCTGAAGAGGAGCTGGTTCAGGAGATCACACAACATTTATTCTTCTTACAGGT[A>C]CATCAGTCAAGGCTACCCCCCAGTTCTGAGAGAACTTGCCCAGGAGTGGTTGCAGAGTTG-3'

ClinVar aggregate classification (germline): Uncertain significance (1 of 4 stars; one submission).

Conditions:
Neurofibromatosis, type 2 (SWNV). Also called: BILATERAL ACOUSTIC NEUROFIBROMATOSIS; SCHWANNOMATOSIS, VESTIBULAR; NF2-Related Schwannomatosis. Identifiers: Orphanet 637, MedGen C0027832, MONDO:0007039, OMIM 101000. Disease mechanism: loss of function.

Submission:

Genetics and Molecular Pathology, SA Pathology
Classification: Uncertain significance for Neurofibromatosis, type 2. Last evaluated: 2019-07-17. Review status: criteria provided, single submitter. Criteria: ACMG Guidelines, 2015. Collection method: clinical testing. Allele origin: germline. Inheritance: Autosomal dominant inheritance. Affected: yes.
Comment: Variant is predicted to remove donor site, is absent from population data sets and has been reported in affected NF2 patients. No functional studies have been performed to date.